The following is an entry in ClinVar:

NM_024312.5(GNPTAB):c.2334_2338del (p.Ser778fs)

Gene: GNPTAB (N-acetylglucosamine-1-phosphate transferase subunits alpha and beta; minus strand). Cytogenetic location: 12q23.2.
Variant type: Deletion.
Coding change: c.2334_2338del on transcript NM_024312.5 (MANE Select); coding-DNA positions 2334 to 2338, 5 bases deleted (CTTAG; older notation c.2334_2338delCTTAG).
Protein change: p.Ser778fs; shifts the reading frame from serine 778.
Molecular consequence: frameshift variant.
Genome position (GRCh38, 1-based): chr12:101,764,579-101,764,583, CTAAG deleted on the plus strand (CTTAG on the coding strand, the reverse complement: GNPTAB is on the minus strand); deleting any 5 consecutive bases within chr12:101,764,579-101,764,585 gives the same sequence; the c. name uses the placement nearest the transcript's 3' end. VCF-style (leftmost placement, unchanged base first): chr12-101764578-CCTAAG-C. GRCh37 (hg19) VCF-style: chr12-102158356-CCTAAG-C.
Other names: short protein forms S778fs.
Identifiers: ClinVar variation 1385807 (VCV001385807.6), dbSNP rs779474781, ClinGen allele CA6746446.

ClinVar aggregate classification (germline): Pathogenic (1 of 4 stars; one submission).

Conditions:
Pseudo-Hurler polydystrophy. Also called: ML III; ML III ALPHA/BETA; MUCOLIPIDOSIS IIIA; Type III Mucolipidosis; ML IIIA; Mucolipidosis III Alpha/Beta. Identifiers: Orphanet 423461, Orphanet 577, MedGen C0033788, MONDO:0018931, OMIM 252600.
Mucolipidosis type II. Also called: ML II ALPHA/BETA; Mucolipidosis 2; ML 2; Inclusion cell disease; Leroy Disease; N-acetylglucosamine 1phosphotransferase deficiency. Identifiers: Orphanet 576, MedGen C2673377, MONDO:0009650, OMIM 252500.

Submission:

Labcorp Genetics (formerly Invitae), Labcorp
Classification: Pathogenic for Pseudo-Hurler polydystrophy; Mucolipidosis type II. Last evaluated: 2021-07-03. Review status: criteria provided, single submitter. Criteria: Invitae Variant Classification Sherloc (09022015). Collection method: clinical testing. Allele origin: germline.
Comment: This sequence change creates a premature translational stop signal (p.Ser778Argfs*4) in the GNPTAB gene. It is expected to result in an absent or disrupted protein product. Loss-of-function variants in GNPTAB are known to be pathogenic (PMID: 19617216, 25107912). The frequency data for this variant in the population databases is considered unreliable, as metrics indicate poor data quality at this position in the ExAC database. This variant has not been reported in the literature in individuals affected with GNPTAB-related conditions. For these reasons, this variant has been classified as Pathogenic.

Literature cited by the submitters: PubMed 19617216; PubMed 25107912.